The following is an entry in ClinVar:

ClinVar aggregate classification (germline): Uncertain significance. Review status: criteria provided, multiple submitters, no conflicts (2 of 4 stars). 2 submissions from 2 submitters: Uncertain significance (2). Last evaluated 2021-09-01.

Conditions:
Inborn genetic diseases. Identifiers: MedGen C0950123, MeSH D030342.

Allele frequency attached by ClinVar (database versions not stated): TOPMed below 0.00001; gnomAD 0.00001; gnomAD exomes 0.00001.

Submissions (2):

Ambry Genetics
Classification: Uncertain significance for Inborn genetic diseases. Last evaluated: 2021-09-01. Review status: criteria provided, single submitter. Criteria: Ambry Variant Classification Scheme 2023. Collection method: clinical testing. Allele origin: germline.

Labcorp Genetics (formerly Invitae), Labcorp
Classification: Uncertain significance. Last evaluated: 2019-10-28. Review status: criteria provided, single submitter. Criteria: Invitae Variant Classification Sherloc (09022015). Collection method: clinical testing. Allele origin: germline.
Comment: This sequence change replaces serine with glycine at codon 542 of the FRMD7 protein (p.Ser542Gly). The serine residue is weakly conserved and there is a small physicochemical difference between serine and glycine. This variant is not present in population databases (ExAC no frequency). This variant has not been reported in the literature in individuals with FRMD7-related conditions. Algorithms developed to predict the effect of missense changes on protein structure and function (SIFT, PolyPhen-2, Align-GVGD) all suggest that this variant is likely to be tolerated, but these predictions have not been confirmed by published functional studies and their clinical significance is uncertain. In summary, the available evidence is currently insufficient to determine the role of this variant in disease. Therefore, it has been classified as a Variant of Uncertain Significance.

NM_194277.3(FRMD7):c.1624A>G (p.Ser542Gly)

Gene: FRMD7 (FERM domain containing 7; minus strand). Cytogenetic location: Xq26.2.
Variant type: single nucleotide variant.
Coding change: c.1624A>G on transcript NM_194277.3 (MANE Select); coding-DNA position 1624, A replaced by G.
Protein change: p.Ser542Gly; replaces serine 542 with glycine.
Molecular consequence: missense variant.
Genome position (GRCh38, 1-based): chrX:132,078,393, T>C on the plus strand (A>G on the coding strand, the complement: FRMD7 is on the minus strand). VCF-style: chrX-132078393-T-C. GRCh37 (hg19) VCF-style: chrX-131212421-T-C.
Other names: c.1579A>G, p.Ser527Gly (NM_001306193.2); short protein forms S527G, S542G.
Identifiers: ClinVar variation 971515 (VCV000971515.11), dbSNP rs1343250412, ClinGen allele CA414678667.